The following is an entry in ClinVar:

NM_001754.5(RUNX1):c.157A>G (p.Ser53Gly)

Gene: RUNX1 (RUNX family transcription factor 1; minus strand). Cytogenetic location: 21q22.12.
Variant type: single nucleotide variant.
Coding change: c.157A>G on transcript NM_001754.5 (MANE Select); coding-DNA position 157, A replaced by G.
Protein change: p.Ser53Gly; replaces serine 53 with glycine.
Molecular consequence: missense variant.
Genome position (GRCh38, 1-based): chr21:34,887,037, T>C on the plus strand (A>G on the coding strand, the complement: RUNX1 is on the minus strand). VCF-style: chr21-34887037-T-C. GRCh37 (hg19) VCF-style: chr21-36259334-T-C.
Other names: NM_001754.5(RUNX1):c.157A>G; p.Ser53Gly; c.76A>G, p.Ser26Gly (NM_001001890.3, NM_001122607.2); short protein forms S26G, S53G.
Identifiers: ClinVar variation 641583 (VCV000641583.11), dbSNP rs1601529435, ClinGen allele CA410204087.

ClinVar aggregate classification (germline): Uncertain significance. Review status: reviewed by expert panel (3 of 4 stars). 2 submissions from 2 submitters: Uncertain significance (1). 1 of the submissions does not count toward it. Last evaluated 2024-10-29.

Conditions:
Hereditary thrombocytopenia and hematological cancer predisposition syndrome associated with RUNX1. Also called: Familial Platelet Disorder with Propensity to Acute Myelogenous Leukemia; Familial thrombocytopenia with propensity to acute myelogenous leukemia; RUNX1 Familial Platelet Disorder with Associated Myeloid Malignancies; PLATELET DISORDER, ASPIRIN-LIKE. Identifiers: Orphanet 71290, MedGen C1832388, MeSH C563324, MONDO:0100083, OMIM 601399.
Hereditary thrombocytopenia and hematologic cancer predisposition syndrome. Identifiers: Orphanet 71290, MedGen CN281654, MONDO:0011071.

Submissions (2):

ClinGen Myeloid Malignancy Variant Curation Expert Panel
Classification: Uncertain significance for Hereditary thrombocytopenia and hematologic cancer predisposition syndrome. Last evaluated: 2024-10-29. Review status: reviewed by expert panel. Criteria: ClinGen MyeloMalig ACMG Specifications v2. Collection method: curation. Allele origin: germline. Inheritance: Autosomal dominant inheritance.
Comment: NM_001754.5(RUNX1):c.157A>G (p.Ser53Gly) is a missense variant which has a REVEL score < 0.50 (0.391) and a SpliceAI score ≤ 0.20 (0.02) (BP4). This variant is completely absent from all population databases with at least 20x coverage for RUNX1 (PM2_Supporting). In summary, the clinical significance of this variant is uncertain. ACMG/AMP criteria applied, as specified by the Myeloid Malignancy Variant Curation Expert Panel for RUNX1: BP4, PM2_supporting.

Labcorp Genetics (formerly Invitae), Labcorp
Classification: Uncertain significance for Hereditary thrombocytopenia and hematological cancer predisposition syndrome associated with RUNX1. Last evaluated: 2025-05-12. Review status: criteria provided, single submitter. Criteria: Invitae Variant Classification Sherloc (09022015). Collection method: clinical testing. Allele origin: germline. Not counted in ClinVar's aggregate classification.
Comment: This sequence change replaces serine, which is neutral and polar, with glycine, which is neutral and non-polar, at codon 53 of the RUNX1 protein (p.Ser53Gly). This variant is not present in population databases (gnomAD no frequency). This variant has not been reported in the literature in individuals affected with RUNX1-related conditions. ClinVar contains an entry for this variant (Variation ID: 641583). Invitae Evidence Modeling of protein sequence and biophysical properties (such as structural, functional, and spatial information, amino acid conservation, physicochemical variation, residue mobility, and thermodynamic stability) has been performed for this missense variant. However, the output from this modeling did not meet the statistical confidence thresholds required to predict the impact of this variant on RUNX1 protein function. In summary, the available evidence is currently insufficient to determine the role of this variant in disease. Therefore, it has been classified as a Variant of Uncertain Significance.